The following is an entry in ClinVar:

NM_017849.4(TMEM127):c.486G>T (p.Lys162Asn)

Gene: TMEM127 (transmembrane protein 127; minus strand). Cytogenetic location: 2q11.2.
Variant type: single nucleotide variant.
Coding change: c.486G>T on transcript NM_017849.4 (MANE Select); coding-DNA position 486, G replaced by T.
Protein change: p.Lys162Asn; replaces lysine 162 with asparagine.
Molecular consequence: missense variant.
Genome position (GRCh38, 1-based): chr2:96,254,039, C>A on the plus strand (G>T on the coding strand, the complement: TMEM127 is on the minus strand). VCF-style: chr2-96254039-C-A. GRCh37 (hg19) VCF-style: chr2-96919777-C-A.
Other names: c.486G>T, p.Lys162Asn (NM_001193304.3); c.234G>T, p.Lys78Asn (NM_001407282.1, NM_001407283.1); short protein forms K162N, K78N.
Identifiers: ClinVar variation 5030932 (VCV005030932.1).

ClinVar aggregate classification (germline): Uncertain significance (1 of 4 stars; one submission).

Conditions:
Hereditary cancer-predisposing syndrome. Also called: Neoplastic Syndromes, Hereditary; Tumor predisposition; Hereditary neoplastic syndrome; Hereditary Cancer Syndrome. Identifiers: Orphanet 140162, MedGen C0027672, MeSH D009386, MONDO:0015356.

Submission:

Ambry Genetics
Classification: Uncertain significance for Hereditary cancer-predisposing syndrome. Last evaluated: 2026-07-07. Review status: criteria provided, single submitter. Criteria: Ambry Variant Classification Scheme 2023. Collection method: clinical testing. Allele origin: germline.
Comment: The p.K162N variant (also known as c.486G>T), located in coding exon 3 of the TMEM127 gene, results from a G to T substitution at nucleotide position 486. The lysine at codon 162 is replaced by asparagine, an amino acid with similar properties. This amino acid position is conserved. In addition, the in silico prediction for this alteration is inconclusive. Based on the available evidence, the clinical significance of this variant remains unclear.